The following is an entry in ClinVar:

NM_000489.6(ATRX):c.5134+6G>C

Gene: ATRX (ATRX chromatin remodeler; minus strand). Cytogenetic location: Xq21.1.
Variant type: single nucleotide variant.
Coding change: c.5134+6G>C on transcript NM_000489.6 (MANE Select); 6 bases into the intron after coding-DNA position 5134, G replaced by C.
Molecular consequence: intron variant.
Genome position (GRCh38, 1-based): chrX:77,633,201, C>G on the plus strand (G>C on the coding strand, the complement: ATRX is on the minus strand). VCF-style: chrX-77633201-C-G. GRCh37 (hg19) VCF-style: chrX-76888689-C-G.
Other names: c.5020+6G>C (NM_138270.5).
Identifiers: ClinVar variation 2020974 (VCV002020974.4), dbSNP rs2522365675, ClinGen allele CA2580101411.

ClinVar aggregate classification (germline): Uncertain significance (1 of 4 stars; one submission).

Conditions:
Alpha thalassemia-X-linked intellectual disability syndrome (ATRX). Also called: ALPHA-THALASSEMIA/MENTAL RETARDATION SYNDROME, X-LINKED; ATR, NONDELETION TYPE; ATR-X syndrome; Alpha thalassemia mental retardation syndrome, nondeletion type, X-linked; XLMR hypotonic face syndrome; X-linked alpha-thalassemia-mental retardation syndrome. Identifiers: Orphanet 847, MedGen C1845055, MONDO:0010519, OMIM 301040.

Submission:

Labcorp Genetics (formerly Invitae), Labcorp
Classification: Uncertain significance for Alpha thalassemia-X-linked intellectual disability syndrome. Last evaluated: 2023-03-20. Review status: criteria provided, single submitter. Criteria: Invitae Variant Classification Sherloc (09022015). Collection method: clinical testing. Allele origin: germline.
Comment: This sequence change falls in intron 19 of the ATRX gene. It does not directly change the encoded amino acid sequence of the ATRX protein. It affects a nucleotide within the consensus splice site. This variant is not present in population databases (gnomAD no frequency). This variant has not been reported in the literature in individuals affected with ATRX-related conditions. ClinVar contains an entry for this variant (Variation ID: 2020974). Variants that disrupt the consensus splice site are a relatively common cause of aberrant splicing (PMID: 17576681, 9536098). Algorithms developed to predict the effect of sequence changes on RNA splicing suggest that this variant is not likely to affect RNA splicing. In summary, the available evidence is currently insufficient to determine the role of this variant in disease. Therefore, it has been classified as a Variant of Uncertain Significance.

Literature cited by the submitters: PubMed 17576681; PubMed 9536098.